The following is an entry in ClinVar:

NM_001458.5(FLNC):c.5778C>G (p.Tyr1926Ter)

Genes: FLNC-AS1 (FLNC antisense RNA 1; minus strand), FLNC (filamin C; plus strand). Cytogenetic location: 7q32.1.
Variant type: single nucleotide variant.
Coding change: c.5778C>G on transcript NM_001458.5 (MANE Select); coding-DNA position 5778, C replaced by G.
Protein change: p.Tyr1926Ter; replaces tyrosine 1926 with a stop codon.
Molecular consequence: nonsense.
Genome position (GRCh38, 1-based): chr7:128,851,564, C>G. VCF-style: chr7-128851564-C-G. GRCh37 (hg19) VCF-style: chr7-128491618-C-G.
Other names: c.5679C>G, p.Tyr1893Ter (NM_001127487.2); short protein forms Y1893*, Y1926*.
Identifiers: ClinVar variation 1749582 (VCV001749582.5), dbSNP rs770913203, ClinGen allele CA369208411.

ClinVar aggregate classification (germline): Pathogenic. Review status: criteria provided, multiple submitters, no conflicts (2 of 4 stars). 2 submissions from 2 submitters: Pathogenic (2). Last evaluated 2024-04-29.

Conditions:
Distal myopathy with posterior leg and anterior hand involvement. Also called: WILLIAMS DISTAL MYOPATHY. Identifiers: Orphanet 63273, MedGen C3279722, MONDO:0013550, OMIM 614065.
Hypertrophic cardiomyopathy 26. Also called: Cardiomyopathy, familial hypertrophic, 26. Identifiers: Orphanet 75249, MedGen C4310749, MONDO:0014883, OMIM 617047.
Myofibrillar myopathy 5. Also called: Filaminopathy (type); FILAMINOPATHY, AUTOSOMAL DOMINANT. Identifiers: Orphanet 171445, MedGen C1836050, MONDO:0012289, OMIM 609524.
Cardiovascular phenotype. Identifiers: MedGen CN230736.

Submissions (2):

Labcorp Genetics (formerly Invitae), Labcorp
Classification: Pathogenic for Distal myopathy with posterior leg and anterior hand involvement; Myofibrillar myopathy 5; Hypertrophic cardiomyopathy 26. Last evaluated: 2024-04-29. Review status: criteria provided, single submitter. Criteria: Invitae Variant Classification Sherloc (09022015). Collection method: clinical testing. Allele origin: germline.
Comment: This sequence change creates a premature translational stop signal (p.Tyr1926*) in the FLNC gene. It is expected to result in an absent or disrupted protein product. Loss-of-function variants in FLNC are known to be pathogenic (PMID: 27908349). This variant is not present in population databases (gnomAD no frequency). This variant has not been reported in the literature in individuals affected with FLNC-related conditions. ClinVar contains an entry for this variant (Variation ID: 1749582). For these reasons, this variant has been classified as Pathogenic.

Ambry Genetics
Classification: Pathogenic for Cardiovascular phenotype. Last evaluated: 2019-08-13. Review status: criteria provided, single submitter. Criteria: Ambry Variant Classification Scheme 2023. Collection method: clinical testing. Allele origin: germline.
Comment: The p.Y1926* pathogenic mutation (also known as c.5778C>G), located in coding exon 35 of the FLNC gene, results from a C to G substitution at nucleotide position 5778. This changes the amino acid from a tyrosine to a stop codon within coding exon 35. This alteration is expected to result in loss of function by premature protein truncation or nonsense-mediated mRNA decay. As such, this alteration is interpreted as a disease-causing mutation.

Literature cited by the submitters: PubMed 27908349 (cited by Labcorp Genetics (formerly Invitae), Labcorp).